The following is an entry in ClinVar:

ClinVar aggregate classification (germline): Likely benign. Review status: criteria provided, multiple submitters, no conflicts (2 of 4 stars). 2 submissions from 2 submitters: Likely benign (2). Last evaluated 2025-05-07.

Conditions:
SCLT1-related disorder. Also called: SCLT1-related condition.

Allele frequency attached by ClinVar (database versions not stated): gnomAD exomes 0.00001; ExAC 0.00002; gnomAD 0.00004; TOPMed 0.00004; ESP Exome Variant Server 0.00008.
gnomAD v4.1: 25 of 1,584,952 alleles (0.0016%); highest among the groups gnomAD compares: African/African-American, 0.004%; no homozygotes.

Submissions (2):

PreventionGenetics, part of Exact Sciences
Classification: Likely benign for SCLT1-related condition. Last evaluated: 2025-05-07. Review status: criteria provided, single submitter. Criteria: ACMG Guidelines, 2015. Collection method: clinical testing. Allele origin: germline.
Comment: This variant is classified as likely benign based on ACMG/AMP sequence variant interpretation guidelines (Richards et al. 2015 PMID: 25741868, with internal and published modifications).

Labcorp Genetics (formerly Invitae), Labcorp
Classification: Likely benign. Last evaluated: 2022-10-10. Review status: criteria provided, single submitter. Criteria: Invitae Variant Classification Sherloc (09022015). Collection method: clinical testing. Allele origin: germline.

NM_144643.4(SCLT1):c.762A>C (p.Gly254=)

Gene: SCLT1 (sodium channel and clathrin linker 1; minus strand). Cytogenetic location: 4q28.2.
Variant type: single nucleotide variant.
Coding change: c.762A>C on transcript NM_144643.4 (MANE Select); coding-DNA position 762, A replaced by C.
Protein change: p.Gly254=; no amino-acid change (glycine 254 retained).
Molecular consequence: synonymous variant.
Genome position (GRCh38, 1-based): chr4:128,970,393, T>G on the plus strand (A>C on the coding strand, the complement: SCLT1 is on the minus strand). VCF-style: chr4-128970393-T-G. GRCh37 (hg19) VCF-style: chr4-129891548-T-G.
Other names: c.762A>C (NM_144643.3); c.762A>C, p.Gly254= (NM_001410807.1).
Identifiers: ClinVar variation 1916195 (VCV001916195.6), dbSNP rs138241676, ClinGen allele CA3079829.